The following is an entry in ClinVar:

ClinVar aggregate classification (germline): Uncertain significance (1 of 4 stars; one submission).

Conditions:
Wilson disease (WND). Also called: Wilson's disease. Identifiers: Orphanet 905, MedGen C0019202, MONDO:0010200, OMIM 277900. Disease mechanism: loss of function.

Submission:

All of Us Research Program, National Institutes of Health
Classification: Uncertain significance for Wilson disease. Last evaluated: 2023-04-03. Review status: criteria provided, single submitter. Criteria: ACMG Guidelines, 2015. Collection method: clinical testing. Allele origin: germline. Inheritance: Autosomal recessive inheritance. Observed: 1 variant allele, 1 heterozygote.
Comment: This variant causes an in-frame deletion of three amino acid in exon 12 of the ATP7B protein. To our knowledge, functional studies have not been reported for this variant. This variant has not been reported in individuals affected with Wilson disease in the literature. This variant has not been identified in the general population by the Genome Aggregation Database (gnomAD). The available evidence is insufficient to determine the role of this variant in disease conclusively. Therefore, this variant is classified as a Variant of Uncertain Significance.

This study involves interpretation of variants in research participants for the purpose of population health screening. Participant phenotype was not available at the time of variant classification. Additional details can be found in publication PMID: 35346344, PMCID: PMC8962531

NM_000053.4(ATP7B):c.2765_2773del (p.Gly922_Phe924del)

Gene: ATP7B (ATPase copper transporting beta; minus strand). Cytogenetic location: 13q14.3.
Variant type: Deletion.
Coding change: c.2765_2773del on transcript NM_000053.4 (MANE Select); coding-DNA positions 2765 to 2773, 9 bases deleted (GATATTTTG; older notation c.2765_2773delGATATTTTG).
Protein change: p.Gly922_Phe924del.
Molecular consequence: inframe deletion. On other transcripts: intron variant (3).
Genome position (GRCh38, 1-based): chr13:51,949,754-51,949,762, CAAAATATC deleted on the plus strand (GATATTTTG on the coding strand, the reverse complement: ATP7B is on the minus strand); deleting any 9 consecutive bases within chr13:51,949,754-51,949,764 gives the same sequence; the c. name uses the placement nearest the transcript's 3' end. VCF-style (leftmost placement, unchanged base first): chr13-51949753-ACAAAATATC-A. GRCh37 (hg19) VCF-style: chr13-52523889-ACAAAATATC-A.
Other names: c.2432_2440del, p.Gly811_Phe813del (NM_001243182.2); c.2531_2539del, p.Gly844_Phe846del (NM_001330578.2, NM_001406527.1, NM_001406528.1 and 2 more transcripts); c.2513_2521del, p.Gly838_Phe840del (NM_001330579.2, NM_001406531.1, NM_001406532.1 and 1 more transcripts); c.2765_2773del, p.Gly922_Phe924del (NM_001406511.1, NM_001406512.1, NM_001406513.1 and 5 more transcripts); c.2732_2740del, p.Gly911_Phe913del (NM_001406514.1); c.2669_2677del, p.Gly890_Phe892del (NM_001406517.1, NM_001406518.1); c.2621_2629del, p.Gly874_Phe876del (NM_001406520.1, NM_001406521.1, NM_001406522.1 and 1 more transcripts); c.2588_2596del, p.Gly863_Phe865del (NM_001406524.1); and 10 more.
Identifiers: ClinVar variation 3070200 (VCV003070200.1), dbSNP rs1957878059, ClinGen allele CA2091541486.
Genomic context (GRCh38, chr13:51,949,753, plus strand): 5'-ATAAAACCGATTACAATCCATACCACCAACGTCAAAGTTGACATGATGATGATAAATGGG[ACAAAATATC>A]CACTAAACCGGTCAGCCAGCTGCTGAATGGGTGCCTATGAAAATAAAACACCAAGACCAT-3'